The following is an entry in ClinVar:

NM_002461.3(MVD):c.650C>G (p.Ala217Gly)

Gene: MVD (mevalonate diphosphate decarboxylase; minus strand). Cytogenetic location: 16q24.2.
Variant type: single nucleotide variant.
Coding change: c.650C>G on transcript NM_002461.3 (MANE Select); coding-DNA position 650, C replaced by G.
Protein change: p.Ala217Gly; replaces alanine 217 with glycine.
Molecular consequence: missense variant.
Genome position (GRCh38, 1-based): chr16:88,655,684, G>C on the plus strand (C>G on the coding strand, the complement: MVD is on the minus strand). VCF-style: chr16-88655684-G-C. GRCh37 (hg19) VCF-style: chr16-88722092-G-C.
Other names: short protein forms A217G.
Identifiers: ClinVar variation 1049749 (VCV001049749.1), dbSNP rs574614800, ClinGen allele CA8228805.

ClinVar aggregate classification (germline): Likely benign (0 of 4 stars; one submission).

Allele frequency attached by ClinVar (database versions not stated): TOPMed 0.00002; gnomAD 0.00010; gnomAD exomes 0.00019 and 0.00051; 1000 Genomes Project 30x 0.00109; 1000 Genomes Project 0.00120; ExAC 0.00154.
gnomAD v4.1: 291 of 1,558,548 alleles (0.019%); highest among the groups gnomAD compares: South Asian, 0.31%; 3 homozygotes.

Submission:

Department of Pathology and Laboratory Medicine, Sinai Health System
Classification: Likely benign. Review status: no assertion criteria provided. Collection method: clinical testing. Allele origin: unknown. Affected: yes. Study: The Canadian Open Genetics Repository (COGR).
Comment: The MVD p.Ala217Gly variant was not identified in the literature nor was it identified in ClinVar. The variant was identified in dbSNP (ID: rs574614800) and in control databases in 86 of 167794 chromosomes (1 homozygous) at a frequency of 0.0005125 (Genome Aggregation Database March 6, 2019, v2.1.1). The variant was observed in the following populations: South Asian in 85 of 23408 chromosomes (freq: 0.003631) and Other in 1 of 4614 chromosomes (freq: 0.000217), but was not observed in the African, Latino, Ashkenazi Jewish, East Asian, European (Finnish), or European (non-Finnish) populations. The p.Ala217 residue is not conserved in mammals and four out of five computational analyses (PolyPhen-2, SIFT, AlignGVGD, BLOSUM, MutationTaster) do not suggest a high likelihood of impact to the protein; however, this information is not predictive enough to rule out pathogenicity. The variant occurs outside of the splicing consensus sequence and three of four in silico or computational prediction software programs (SpliceSiteFinder, MaxEntScan, NNSPLICE, GeneSplicer) do not predict a greater than 10% difference in splicing; this is not very predictive of pathogenicity. In summary, based on the above information the clinical significance of this variant cannot be determined with certainty at this time although we would lean towards a more benign role for this variant. This variant is classified as likely benign.